The following is an entry in ClinVar:

NM_001378454.1(ALMS1):c.4678A>G (p.Thr1560Ala)

Gene: ALMS1 (ALMS1 centrosome and basal body associated protein; plus strand). Cytogenetic location: 2p13.1.
Variant type: single nucleotide variant.
Coding change: c.4678A>G on transcript NM_001378454.1 (MANE Select); coding-DNA position 4678, A replaced by G.
Protein change: p.Thr1560Ala; replaces threonine 1560 with alanine.
Molecular consequence: missense variant.
Genome position (GRCh38, 1-based): chr2:73,451,205, A>G. VCF-style: chr2-73451205-A-G. GRCh37 (hg19) VCF-style: chr2-73678332-A-G.
Other names: c.4681A>G, p.Thr1561Ala (NM_015120.4); short protein forms T1561A, T1560A.
Identifiers: ClinVar variation 567694 (VCV000567694.7), dbSNP rs1558649606, ClinGen allele CA347279040.

ClinVar aggregate classification (germline): Uncertain significance (1 of 4 stars; one submission).

Conditions:
Alstrom syndrome (ALMS). Identifiers: Orphanet 64, MedGen C0268425, MONDO:0008763, OMIM 203800.

Submission:

Labcorp Genetics (formerly Invitae), Labcorp
Classification: Uncertain significance for Alstrom syndrome. Last evaluated: 2018-03-22. Review status: criteria provided, single submitter. Criteria: Invitae Variant Classification Sherloc (09022015). Collection method: clinical testing. Allele origin: germline.
Comment: This sequence change replaces threonine with alanine at codon 1561 of the ALMS1 protein (p.Thr1561Ala). The threonine residue is weakly conserved and there is a small physicochemical difference between threonine and alanine. This variant is not present in population databases (ExAC no frequency). This variant has not been reported in the literature in individuals with ALMS1-related disease. Algorithms developed to predict the effect of missense changes on protein structure and function (SIFT, PolyPhen-2, Align-GVGD) all suggest that this variant is likely to be tolerated, but these predictions have not been confirmed by published functional studies and their clinical significance is uncertain. In summary, the available evidence is currently insufficient to determine the role of this variant in disease. Therefore, it has been classified as a Variant of Uncertain Significance.